The following is an entry in ClinVar:

ClinVar aggregate classification (germline): Uncertain significance. Review status: criteria provided, multiple submitters, no conflicts (2 of 4 stars). 2 submissions from 2 submitters: Uncertain significance (2). Last evaluated 2026-07-06.

Submissions (2):

GeneDx
Classification: Uncertain significance. Last evaluated: 2026-07-06. Review status: criteria provided, single submitter. Criteria: GeneDx Variant Classification Process June 2021. Collection method: clinical testing. Allele origin: germline.
Comment: Not observed at significant frequency in large population cohorts (gnomAD); In silico analysis supports that this missense variant has a deleterious effect on protein structure/function; Has not been previously published as pathogenic or benign to our knowledge; This variant is associated with the following publications: (PMID: 32885540)

Women's Health and Genetics/Laboratory Corporation of America, LabCorp
Classification: Uncertain significance. Last evaluated: 2022-02-08. Review status: criteria provided, single submitter. Criteria: LabCorp Variant Classification Summary - May 2015. Collection method: clinical testing. Allele origin: germline.
Comment: Variant summary: LZTR1 c.727T>C (p.Phe243Leu) results in a non-conservative amino acid change in the encoded protein sequence. Three of five in-silico tools predict a benign effect of the variant on protein function. The variant was absent in 251322 control chromosomes. The available data on variant occurrences in the general population are insufficient to allow any conclusion about variant significance. c.727T>C has been reported in the literature asa tumor specific mutation that was not defined as having pathological significance in a study of individuals with newly diagnosed Glioblastoma (GBM) (example, Noroxe_2020). The germline or somatic origin of this variant was not specified. These report(s) do not provide unequivocal conclusions about association of the variant with Noonan Syndrome. To our knowledge, no experimental evidence demonstrating an impact on protein function has been reported. No clinical diagnostic laboratories have submitted clinical-significance assessments for this variant to ClinVar after 2014. Based on the evidence outlined above, the variant was classified as uncertain significance.

Literature cited by the submitters: PubMed 32885540 (cited by Women's Health and Genetics/Laboratory Corporation of America, LabCorp).

NM_006767.4(LZTR1):c.727T>C (p.Phe243Leu)

Gene: LZTR1 (leucine zipper like post translational regulator 1; plus strand). Cytogenetic location: 22q11.21.
Variant type: single nucleotide variant.
Coding change: c.727T>C on transcript NM_006767.4 (MANE Select); coding-DNA position 727, T replaced by C.
Protein change: p.Phe243Leu; replaces phenylalanine 243 with leucine.
Molecular consequence: missense variant.
Genome position (GRCh38, 1-based): chr22:20,990,461, T>C. VCF-style: chr22-20990461-T-C. GRCh37 (hg19) VCF-style: chr22-21344750-T-C.
Other names: short protein forms F243L.
Identifiers: ClinVar variation 1343622 (VCV001343622.3), dbSNP rs2147964079, ClinGen allele CA410780571.